The following is an entry in ClinVar:

ClinVar aggregate classification (germline): Uncertain significance (1 of 4 stars; one submission).

Conditions:
Ellis-van Creveld syndrome (EVC). Also called: MESOECTODERMAL DYSPLASIA; Chondroectodermal dysplasia; EVC-Related Ellis-van Creveld Syndrome; EVC2-Related Ellis-van Creveld Syndrome. Identifiers: Orphanet 289, MedGen C0013903, MONDO:0009162, OMIM 225500.
Curry-Hall syndrome (WAD). Also called: WEYERS ACRODENTAL DYSOSTOSIS. Identifiers: Orphanet 952, MedGen C0457013, MONDO:0008673, OMIM 193530.

Allele frequency attached by ClinVar (database versions not stated): gnomAD exomes below 0.00001; TOPMed 0.00002; gnomAD 0.00003; ESP Exome Variant Server 0.00008.
gnomAD v4.1: 6 of 1,614,070 alleles (0.00037%); highest among the groups gnomAD compares: African/African-American, 0.0053%; no homozygotes.

Submission:

Labcorp Genetics (formerly Invitae), Labcorp
Classification: Uncertain significance for Curry-Hall syndrome; Ellis-van Creveld syndrome. Last evaluated: 2022-04-06. Review status: criteria provided, single submitter. Criteria: Invitae Variant Classification Sherloc (09022015). Collection method: clinical testing. Allele origin: germline.
Comment: This sequence change replaces alanine, which is neutral and non-polar, with valine, which is neutral and non-polar, at codon 241 of the EVC2 protein (p.Ala241Val). This variant is present in population databases (rs151231386, gnomAD 0.01%). This variant has not been reported in the literature in individuals affected with EVC2-related conditions. Algorithms developed to predict the effect of missense changes on protein structure and function (SIFT, PolyPhen-2, Align-GVGD) all suggest that this variant is likely to be tolerated. In summary, the available evidence is currently insufficient to determine the role of this variant in disease. Therefore, it has been classified as a Variant of Uncertain Significance.

NM_147127.5(EVC2):c.722C>T (p.Ala241Val)

Gene: EVC2 (EvC ciliary complex subunit 2; minus strand). Cytogenetic location: 4p16.2.
Variant type: single nucleotide variant.
Coding change: c.722C>T on transcript NM_147127.5 (MANE Select); coding-DNA position 722, C replaced by T.
Protein change: p.Ala241Val; replaces alanine 241 with valine.
Molecular consequence: missense variant.
Genome position (GRCh38, 1-based): chr4:5,685,464, G>A on the plus strand (C>T on the coding strand, the complement: EVC2 is on the minus strand). VCF-style: chr4-5685464-G-A. GRCh37 (hg19) VCF-style: chr4-5687191-G-A.
Other names: c.482C>T, p.Ala161Val (NM_001166136.2); short protein forms A241V, A161V.
Identifiers: ClinVar variation 2159786 (VCV002159786.1), dbSNP rs151231386, ClinGen allele CA91712971.